The following is an entry in ClinVar:

ClinVar aggregate classification (germline): Benign/Likely benign. Review status: criteria provided, multiple submitters, no conflicts (2 of 4 stars). 3 submissions from 3 submitters: Benign (1); Likely benign (2). Last evaluated 2026-01-27.

Conditions:
Hereditary cancer-predisposing syndrome. Also called: Tumor predisposition; Neoplastic Syndromes, Hereditary; Hereditary Cancer Syndrome; Hereditary neoplastic syndrome. Identifiers: Orphanet 140162, MedGen C0027672, MeSH D009386, MONDO:0015356.
Pheochromocytoma/paraganglioma syndrome 5. Also called: Paragangliomas 5; SDHA-Related Hereditary Paraganglioma-Pheochromocytoma Syndrome. Identifiers: Orphanet 29072, MedGen C3279992, MONDO:0013602, OMIM 614165.
Mitochondrial complex II deficiency, nuclear type 1. Also called: SUCCINATE CoQ REDUCTASE DEFICIENCY. Identifiers: Orphanet 3208, MedGen C5700310, MONDO:0100294, OMIM 252011.

Allele frequency attached by ClinVar (database versions not stated): TOPMed below 0.00001; ExAC 0.00001; gnomAD 0.00001; gnomAD exomes 0.00001 and below 0.00001.
gnomAD v4.1: 5 of 1,613,560 alleles (0.00031%); highest among the groups gnomAD compares: Admixed American, 0.0017%; no homozygotes.

Submissions (3):

Labcorp Genetics (formerly Invitae), Labcorp
Classification: Likely benign for Pheochromocytoma/paraganglioma syndrome 5; Mitochondrial complex II deficiency, nuclear type 1. Last evaluated: 2026-01-27. Review status: criteria provided, single submitter. Criteria: Invitae Variant Classification Sherloc (09022015). Collection method: clinical testing. Allele origin: germline.

Myriad Genetics, Inc.
Classification: Benign for Pheochromocytoma/paraganglioma syndrome 5. Last evaluated: 2025-03-03. Review status: criteria provided, single submitter. Criteria: Myriad Autosomal Dominant, Autosomal Recessive and X-Linked Classification Criteria (2023). Collection method: clinical testing. Allele origin: unknown.
Comment: This variant is considered benign. This variant is a silent/synonymous amino acid change and it is not expected to impact splicing.

Ambry Genetics
Classification: Likely benign for Hereditary cancer-predisposing syndrome. Last evaluated: 2022-05-01. Review status: criteria provided, single submitter. Criteria: Ambry Variant Classification Scheme 2023. Collection method: clinical testing. Allele origin: germline.

NM_004168.4(SDHA):c.687G>A (p.Gly229=)

Gene: SDHA (succinate dehydrogenase complex flavoprotein subunit A; plus strand). Cytogenetic location: 5p15.33.
Variant type: single nucleotide variant.
Coding change: c.687G>A on transcript NM_004168.4 (MANE Select); coding-DNA position 687, G replaced by A.
Protein change: p.Gly229=; no amino-acid change (glycine 229 retained).
Molecular consequence: synonymous variant.
Genome position (GRCh38, 1-based): chr5:228,250, G>A. VCF-style: chr5-228250-G-A. GRCh37 (hg19) VCF-style: chr5-228365-G-A.
Other names: c.543G>A, p.Gly181= (NM_001294332.2); c.687G>A, p.Gly229= (NM_001330758.2).
Identifiers: ClinVar variation 698079 (VCV000698079.14), dbSNP rs775359678, ClinGen allele CA3172942.